The following is an entry in ClinVar:

ClinVar aggregate classification (germline): Uncertain significance. Review status: criteria provided, multiple submitters, no conflicts (2 of 4 stars). 4 submissions from 4 submitters: Uncertain significance (4). Last evaluated 2025-12-10.

Conditions:
Familial idiopathic hypercalciuria (HCA2). Also called: Hypercalciuria, absorptive, susceptibility to; Hypercalciuria, absorptive, 2. Identifiers: MedGen C0342639, MONDO:0007748, OMIM 143870.

Allele frequency attached by ClinVar (database versions not stated): ExAC 0.00002; gnomAD exomes 0.00002 and 0.00003; gnomAD 0.00003; TOPMed 0.00003; ESP Exome Variant Server 0.00008.
gnomAD v4.1: 49 of 1,614,078 alleles (0.003%); highest among the groups gnomAD compares: Non-Finnish European, 0.004%; no homozygotes.

Submissions (4):

Labcorp Genetics (formerly Invitae), Labcorp
Classification: Uncertain significance. Last evaluated: 2025-12-10. Review status: criteria provided, single submitter. Criteria: Invitae Variant Classification Sherloc (09022015). Collection method: clinical testing. Allele origin: germline.
Comment: This sequence change replaces tyrosine, which is neutral and polar, with histidine, which is basic and polar, at codon 1223 of the ADCY10 protein (p.Tyr1223His). This variant is present in population databases (rs151050988, gnomAD 0.004%). This variant has not been reported in the literature in individuals affected with ADCY10-related conditions. ClinVar contains an entry for this variant (Variation ID: 1014250). An algorithm developed to predict the effect of missense changes on protein structure and function (PolyPhen-2) suggests that this variant is likely to be disruptive. In summary, the available evidence is currently insufficient to determine the role of this variant in disease. Therefore, it has been classified as a Variant of Uncertain Significance.

Ambry Genetics
Classification: Uncertain significance. Last evaluated: 2024-03-25. Review status: criteria provided, single submitter. Criteria: Ambry Variant Classification Scheme 2023. Collection method: clinical testing. Allele origin: germline.

Fulgent Genetics
Classification: Uncertain significance for Familial idiopathic hypercalciuria. Last evaluated: 2022-05-04. Review status: criteria provided, single submitter. Criteria: ACMG Guidelines, 2015. Collection method: clinical testing. Allele origin: unknown.

Blueprint Genetics
Classification: Uncertain significance. Last evaluated: 2019-06-14. Review status: criteria provided, single submitter. Criteria: ACMG Guidelines, 2015. Collection method: clinical testing. Allele origin: germline.

NM_018417.6(ADCY10):c.3667T>C (p.Tyr1223His)

Gene: ADCY10 (adenylate cyclase 10; minus strand). Cytogenetic location: 1q24.2.
Variant type: single nucleotide variant.
Coding change: c.3667T>C on transcript NM_018417.6 (MANE Select); coding-DNA position 3667, T replaced by C.
Protein change: p.Tyr1223His; replaces tyrosine 1223 with histidine.
Molecular consequence: missense variant.
Genome position (GRCh38, 1-based): chr1:167,829,350, A>G on the plus strand (T>C on the coding strand, the complement: ADCY10 is on the minus strand). VCF-style: chr1-167829350-A-G. GRCh37 (hg19) VCF-style: chr1-167798588-A-G.
Other names: c.3667T>C (NM_018417.4); c.3208T>C, p.Tyr1070His (NM_001167749.3); c.3391T>C, p.Tyr1131His (NM_001297772.2); short protein forms Y1070H, Y1131H, Y1223H.
Identifiers: ClinVar variation 1014250 (VCV001014250.8), dbSNP rs151050988, ClinGen allele CA1227277.